The following is an entry in ClinVar:

ClinVar aggregate classification (germline): Uncertain significance (1 of 4 stars; one submission).

Conditions:
Hereditary cancer-predisposing syndrome. Also called: Tumor predisposition; Neoplastic Syndromes, Hereditary; Hereditary Cancer Syndrome; Hereditary neoplastic syndrome. Identifiers: Orphanet 140162, MedGen C0027672, MeSH D009386, MONDO:0015356.

Submission:

Ambry Genetics
Classification: Uncertain significance for Hereditary cancer-predisposing syndrome. Last evaluated: 2020-12-17. Review status: criteria provided, single submitter. Criteria: Ambry Variant Classification Scheme 2023. Collection method: clinical testing. Allele origin: germline.
Comment: The p.L1070Q variant (also known as c.3209T>A), located in coding exon 19 of the DICER1 gene, results from a T to A substitution at nucleotide position 3209. The leucine at codon 1070 is replaced by glutamine, an amino acid with dissimilar properties. This amino acid position is highly conserved in available vertebrate species. In addition, this alteration is predicted to be deleterious by in silico analysis. Since supporting evidence is limited at this time, the clinical significance of this alteration remains unclear.

NM_177438.3(DICER1):c.3209T>A (p.Leu1070Gln)

Gene: DICER1 (dicer 1, ribonuclease III; minus strand). Cytogenetic location: 14q32.13.
Variant type: single nucleotide variant.
Coding change: c.3209T>A on transcript NM_177438.3 (MANE Select); coding-DNA position 3209, T replaced by A.
Protein change: p.Leu1070Gln; replaces leucine 1070 with glutamine.
Molecular consequence: missense variant. On other transcripts: non-coding transcript variant (6).
Genome position (GRCh38, 1-based): chr14:95,105,131, A>T on the plus strand (T>A on the coding strand, the complement: DICER1 is on the minus strand). VCF-style: chr14-95105131-A-T. GRCh37 (hg19) VCF-style: chr14-95571468-A-T.
Other names: c.3209T>A, p.Leu1070Gln (NM_001291628.2, NM_001395677.1, NM_001395678.1 and 13 more transcripts); c.2927T>A, p.Leu976Gln (NM_001395686.1); c.2804T>A, p.Leu935Gln (NM_001395687.1, NM_001395688.1, NM_001395689.1 and 2 more transcripts); c.2642T>A, p.Leu881Gln (NM_001395691.1); c.1526T>A, p.Leu509Gln (NM_001395697.1); short protein forms L509Q, L935Q, L1070Q, L976Q, L881Q.
Identifiers: ClinVar variation 1728896 (VCV001728896.2), dbSNP rs2542753047, ClinGen allele CA390876511.